The following is an entry in ClinVar:

ClinVar aggregate classification (germline): Uncertain significance (1 of 4 stars; one submission).

Conditions:
Neurofibromatosis, type 1 (NF1). Also called: Neurofibromatosis, type I; NEUROFIBROMATOSIS, TYPE I, SOMATIC; Peripheral type neurofibromatosis; VON RECKLINGHAUSEN DISEASE. Identifiers: Orphanet 636, MedGen C0027831, MONDO:0018975, OMIM 162200. Disease mechanism: loss of function.

Submission:

Labcorp Genetics (formerly Invitae), Labcorp
Classification: Uncertain significance for Neurofibromatosis, type 1. Last evaluated: 2016-04-18. Review status: criteria provided, single submitter. Criteria: Invitae Variant Classification Sherloc (09022015). Collection method: clinical testing. Allele origin: germline.
Comment: This sequence change replaces valine with phenylalanine at codon 1120 of the NF1 protein (p.Val1120Phe). The valine residue is moderately conserved and there is a small physicochemical difference between valine and phenylalanine. Algorithms developed to predict the effect of missense changes on protein structure and function do not agree on the potential impact of this missense change (SIFT: "Deleterious"; PolyPhen-2: "Benign"; Align-GVGD: "Class C0"). In summary, this variant is a novel missense change with uncertain impact on protein function. It has been classified as a Variant of Uncertain Significance. This variant is not present in population databases (ExAC no frequency) and has not been reported in the literature in individuals with an NF1-related disease.

NM_001042492.3(NF1):c.3358G>T (p.Val1120Phe)

Gene: NF1 (neurofibromin 1; plus strand). Cytogenetic location: 17q11.2.
Variant type: single nucleotide variant.
Coding change: c.3358G>T on transcript NM_001042492.3 (MANE Select); coding-DNA position 3358, G replaced by T.
Protein change: p.Val1120Phe; replaces valine 1120 with phenylalanine.
Molecular consequence: missense variant.
Genome position (GRCh38, 1-based): chr17:31,232,743, G>T. VCF-style: chr17-31232743-G-T. GRCh37 (hg19) VCF-style: chr17-29559761-G-T.
Other names: c.3358G>T, p.Val1120Phe (NM_000267.4); short protein forms V1120F.
Identifiers: ClinVar variation 404517 (VCV000404517.5), dbSNP rs200594167, ClinGen allele CA16615192.
Genomic context (GRCh38, chr17:31,232,743, plus strand): 5'-GTCTTTTTATTTCTCAGATACTTCACATTATTTATGAACCTTTTGAATGACTGCAGTGAA[G>T]TTGAAGATGAAAGTGCGCAAACAGGTGGCAGGAAACGTGGCATGTCTCGGAGGCTGGCAT-3'
Protein context (NP_001035957.1, residues 1110-1130): FMNLLNDCSE[Val1120Phe]EDESAQTGGR